The following is an entry in ClinVar:

NM_000059.4(BRCA2):c.3390T>A (p.Phe1130Leu)

Gene: BRCA2 (BRCA2 DNA repair associated; plus strand). Cytogenetic location: 13q13.1.
Variant type: single nucleotide variant.
Coding change: c.3390T>A on transcript NM_000059.4 (MANE Select); coding-DNA position 3390, T replaced by A.
Protein change: p.Phe1130Leu; replaces phenylalanine 1130 with leucine.
Molecular consequence: missense variant. On other transcripts: non-coding transcript variant (1), intron variant (2).
Genome position (GRCh38, 1-based): chr13:32,337,745, T>A. VCF-style: chr13-32337745-T-A. GRCh37 (hg19) VCF-style: chr13-32911882-T-A.
Other names: c.3390T>A, p.Phe1130Leu (NM_001406719.1, NM_001406720.1, NM_001432077.1); c.1909+4358T>A (NM_001406721.1); c.424+6715T>A (NM_001406722.1); short protein forms F1130L.
Identifiers: ClinVar variation 4810088 (VCV004810088.1).

ClinVar aggregate classification (germline): Uncertain significance (1 of 4 stars; one submission).

Conditions:
Hereditary breast ovarian cancer syndrome. Also called: Hereditary breast and/or ovarian cancer syndrome; Breast and ovarian cancer; Hereditary breast and ovarian cancer; Hereditary breast and ovarian cancer syndrome; Hereditary breast and ovarian cancer syndrome (HBOC); BRCA1- and BRCA2-Associated Hereditary Breast and Ovarian Cancer. Identifiers: Orphanet 145, MedGen C0677776, MeSH D061325, MONDO:0003582. Disease mechanism: loss of function.

Submission:

Labcorp Genetics (formerly Invitae), Labcorp
Classification: Uncertain significance for Hereditary breast ovarian cancer syndrome. Last evaluated: 2025-03-16. Review status: criteria provided, single submitter. Criteria: Invitae Variant Classification Sherloc (09022015). Collection method: clinical testing. Allele origin: germline.
Comment: This sequence change replaces phenylalanine, which is neutral and non-polar, with leucine, which is neutral and non-polar, at codon 1130 of the BRCA2 protein (p.Phe1130Leu). This variant is not present in population databases (gnomAD no frequency). This variant has not been reported in the literature in individuals affected with BRCA2-related conditions. Invitae Evidence Modeling of protein sequence and biophysical properties (such as structural, functional, and spatial information, amino acid conservation, physicochemical variation, residue mobility, and thermodynamic stability) indicates that this missense variant is not expected to disrupt BRCA2 protein function with a negative predictive value of 95%. In summary, the available evidence is currently insufficient to determine the role of this variant in disease. Therefore, it has been classified as a Variant of Uncertain Significance.